The following is an entry in ClinVar:

NM_014396.4(VPS41):c.2514_2537dup (p.Ala848_Ile849insLysAsnArgGlyProGlySerAla)

Gene: VPS41 (VPS41 subunit of HOPS complex; minus strand). Cytogenetic location: 7p14.1.
Variant type: Duplication.
Coding change: c.2514_2537dup on transcript NM_014396.4 (MANE Select); coding-DNA positions 2514 to 2537, 24 bases duplicated (CAGTGCTAAGAACCGTGGACCAGG).
Protein change: p.Ala848_Ile849insLysAsnArgGlyProGlySerAla.
Molecular consequence: inframe insertion.
Genome position (GRCh38, 1-based): chr7:38,726,274-38,726,297, CCTGGTCCACGGTTCTTAGCACTG duplicated on the plus strand (CAGTGCTAAGAACCGTGGACCAGG on the coding strand, the reverse complement: VPS41 is on the minus strand); duplicating any 24 consecutive bases within chr7:38,726,274-38,726,298 gives the same sequence; the c. name uses the placement nearest the transcript's 3' end. VCF-style (leftmost placement, unchanged base first): chr7-38726273-T-TCCTGGTCCACGGTTCTTAGCACTG. GRCh37 (hg19) VCF-style: chr7-38765873-T-TCCTGGTCCACGGTTCTTAGCACTG.
Other names: c.2439_2462dup, p.Ala823_Ile824insLysAsnArgGlyProGlySerAla (NM_080631.4).
Identifiers: ClinVar variation 2359877 (VCV002359877.15), dbSNP rs754564437, ClinGen allele CA4226342.

ClinVar aggregate classification (germline): Benign/Likely benign. Review status: criteria provided, multiple submitters, no conflicts (2 of 4 stars). 2 submissions from 2 submitters: Benign (1); Likely benign (1). Last evaluated 2026-06-01.

Conditions:
Inborn genetic diseases. Identifiers: MedGen C0950123, MeSH D030342.

Submissions (2):

CeGaT Center for Human Genetics Tuebingen
Classification: Likely benign. Last evaluated: 2026-06-01. Review status: criteria provided, single submitter. Criteria: CeGaT Center For Human Genetics Tuebingen Variant Classification Criteria Version 2. Collection method: clinical testing. Allele origin: germline. Affected: yes. Observed: 6 variant alleles.
Comment: VPS41: PM4, BS1

Ambry Genetics
Classification: Benign for Inborn genetic diseases. Last evaluated: 2022-03-10. Review status: criteria provided, single submitter. Criteria: Ambry Variant Classification Scheme 2023. Collection method: clinical testing. Allele origin: germline.